The following is an entry in ClinVar:

NM_012233.3(RAB3GAP1):c.469G>T (p.Gly157Ter)

Gene: RAB3GAP1 (RAB3 GTPase activating protein catalytic subunit 1; plus strand). Cytogenetic location: 2q21.3.
Variant type: single nucleotide variant.
Coding change: c.469G>T on transcript NM_012233.3 (MANE Select); coding-DNA position 469, G replaced by T.
Protein change: p.Gly157Ter; replaces glycine 157 with a stop codon.
Molecular consequence: nonsense.
Genome position (GRCh38, 1-based): chr2:135,113,257, G>T. VCF-style: chr2-135113257-G-T. GRCh37 (hg19) VCF-style: chr2-135870827-G-T.
Other names: c.469G>T, p.Gly157Ter (NM_001172435.2); short protein forms G157*.
Identifiers: ClinVar variation 561095 (VCV000561095.2), dbSNP rs1558782178, ClinGen allele CA348566963.
Genomic context (GRCh38, chr2:135,113,257, plus strand): 5'-GACGCTGTTCTCAGCGAATCTAAGTGCAACCTTCTTCTGAGTTCTGTTTCTATTGCCTTG[G>T]GAAACACTGGCTGGTGAGTGGACATTTTTTAAAACCTAGACAAAAAAACTGTTTTTAACA-3'

ClinVar aggregate classification (germline): Pathogenic (1 of 4 stars; one submission).

Conditions:
Warburg micro syndrome 1 (WARBM1). Identifiers: Orphanet 2510, MedGen C1838625, MONDO:0010822, OMIM 600118.

Submission:

Baylor Genetics
Classification: Pathogenic for Warburg micro syndrome 1. Last evaluated: 2017-09-01. Review status: criteria provided, single submitter. Criteria: ACMG Guidelines, 2015. Collection method: clinical testing. Allele origin: maternal. Inheritance: Autosomal recessive inheritance. Affected: yes.

Literature cited by the submitters: PubMed 25326635.